The following is an entry in ClinVar:

NM_001039141.3(TRIOBP):c.115-55G>T

Gene: TRIOBP (TRIO and F-actin binding protein; plus strand). Cytogenetic location: 22q13.1.
Variant type: single nucleotide variant.
Coding change: c.115-55G>T on transcript NM_001039141.3 (MANE Select); 55 bases into the intron before coding-DNA position 115, G replaced by T.
Molecular consequence: intron variant.
Genome position (GRCh38, 1-based): chr22:37,710,372, G>T. VCF-style: chr22-37710372-G-T. GRCh37 (hg19) VCF-style: chr22-38106379-G-T.
Identifiers: ClinVar variation 1220422 (VCV001220422.3), dbSNP rs73409461, ClinGen allele CA324115400.

ClinVar aggregate classification (germline): Likely benign (1 of 4 stars; one submission).

Allele frequency attached by ClinVar (database versions not stated): gnomAD 0.00341 and 0.00372; TOPMed 0.00394; 1000 Genomes Project 0.00399; 1000 Genomes Project 30x 0.00453.
gnomAD v4.1: 1,081 of 1,608,070 alleles (0.067%); highest among the groups gnomAD compares: African/African-American, 1.3%; 10 homozygotes.

Submission:

GeneDx
Classification: Likely benign. Last evaluated: 2020-01-06. Review status: criteria provided, single submitter. Criteria: GeneDx Variant Classification Process June 2021. Collection method: clinical testing. Allele origin: germline. Affected: yes.
Comment: Has not been previously published as pathogenic or benign to our knowledge In-silico analysis, which includes splice predictors and evolutionary conservation, is inconclusive as to whether the variant alters gene splicing. In the absence of RNA/functional studies, the actual effect of this sequence change is unknown.